The following is an entry in ClinVar:

ClinVar aggregate classification (germline): Uncertain significance (1 of 4 stars; one submission).

Conditions:
Autosomal dominant hypocalcemia 1 (HYPOC1). Also called: HYPOCALCEMIA, FAMILIAL. Identifiers: MedGen C3715128, MONDO:0011013, OMIM 601198.
Familial hypocalciuric hypercalcemia (FHH). Also called: Familial benign hypercalcemia. Identifiers: Orphanet 405, MedGen C1809471, MONDO:0018458.

Submission:

Labcorp Genetics (formerly Invitae), Labcorp
Classification: Uncertain significance for Familial hypocalciuric hypercalcemia; Autosomal dominant hypocalcemia 1. Last evaluated: 2023-09-10. Review status: criteria provided, single submitter. Criteria: Invitae Variant Classification Sherloc (09022015). Collection method: clinical testing. Allele origin: germline.
Comment: In summary, the available evidence is currently insufficient to determine the role of this variant in disease. Therefore, it has been classified as a Variant of Uncertain Significance. An algorithm developed to predict the effect of missense changes on protein structure and function (PolyPhen-2) suggests that this variant is likely to be tolerated. This variant has not been reported in the literature in individuals affected with CASR-related conditions. This variant is not present in population databases (gnomAD no frequency). This sequence change replaces isoleucine, which is neutral and non-polar, with threonine, which is neutral and polar, at codon 761 of the CASR protein (p.Ile761Thr).

NM_000388.4(CASR):c.2282T>C (p.Ile761Thr)

Gene: CASR (calcium sensing receptor; plus strand). Cytogenetic location: 3q21.1.
Variant type: single nucleotide variant.
Coding change: c.2282T>C on transcript NM_000388.4 (MANE Select); coding-DNA position 2282, T replaced by C.
Protein change: p.Ile761Thr; replaces isoleucine 761 with threonine.
Molecular consequence: missense variant.
Genome position (GRCh38, 1-based): chr3:122,284,236, T>C. VCF-style: chr3-122284236-T-C. GRCh37 (hg19) VCF-style: chr3-122003083-T-C.
Other names: c.2312T>C, p.Ile771Thr (NM_001178065.2); short protein forms I771T, I761T.
Identifiers: ClinVar variation 2951821 (VCV002951821.3), dbSNP rs2473279202, ClinGen allele CA354159304.
Genomic context (GRCh38, chr3:122,284,236, plus strand): 5'-TCTGGCTCTACACCGCGCCCCCGTCAAGCTACCGCAACCAGGAGCTGGAGGATGAGATCA[T>C]CTTCATCACGTGCCACGAGGGCTCCCTCATGGCCCTGGGCTTCCTGATCGGCTACACCTG-3'
Protein context (NP_000379.3, residues 751-771): YRNQELEDEI[Ile761Thr]FITCHEGSLM